The following is an entry in ClinVar:

NM_001271.4(CHD2):c.32A>G (p.Glu11Gly)

Gene: CHD2 (chromodomain helicase DNA binding protein 2; plus strand). Cytogenetic location: 15q26.1.
Variant type: single nucleotide variant.
Coding change: c.32A>G on transcript NM_001271.4 (MANE Select); coding-DNA position 32, A replaced by G.
Protein change: p.Glu11Gly; replaces glutamic acid 11 with glycine.
Molecular consequence: missense variant.
Genome position (GRCh38, 1-based): chr15:92,901,269, A>G. VCF-style: chr15-92901269-A-G. GRCh37 (hg19) VCF-style: chr15-93444499-A-G.
Other names: c.32A>G, p.Glu11Gly (NM_001042572.3); short protein forms E11G.
Identifiers: ClinVar variation 3254727 (VCV003254727.1), dbSNP rs1411246213.

ClinVar aggregate classification (germline): Uncertain significance (1 of 4 stars; one submission).

Conditions:
Developmental and epileptic encephalopathy 94 (DEE94). Also called: Epileptic encephalopathy, childhood-onset; CHD2-Related Neurodevelopmental Disorders. Identifiers: Orphanet 1942, Orphanet 2382, MedGen C3809278, MONDO:0014150, OMIM 615369.

Submission:

Victorian Clinical Genetics Services, Murdoch Childrens Research Institute
Classification: Uncertain significance for Developmental and epileptic encephalopathy 94. Last evaluated: 2023-07-16. Review status: criteria provided, single submitter. Criteria: ACMG Guidelines, 2015. Collection method: clinical testing. Allele origin: germline. Inheritance: Autosomal dominant inheritance. Affected: yes.
Comment: Based on the classification scheme VCGS_Germline_v1.3.4, this variant is classified as VUS-3B. Following criteria are met: 0102 - Loss of function is a known mechanism of disease in this gene and is associated with developmental and epileptic encephalopathy 94 (MIM#615369). The mechanism of missense variants is unclear. (I) 0107 - This gene is associated with autosomal dominant disease. (I) 0200 - Variant is predicted to result in a missense amino acid change from glutamic acid to glycine. (I) 0251 - This variant is heterozygous. (I) 0301 - Variant is absent from gnomAD (both v2 and v3). (SP) 0309 - An alternative amino acid change at the same position has been observed in gnomAD (v2: 1 heterozygote, 0 homozygotes). (I) 0502 - Missense variant with conflicting in silico predictions and uninformative conservation. (I) 0604 - Variant is not located in an established domain, motif, hotspot or informative constraint region. (I) 0705 - No comparable missense variants have previous evidence for pathogenicity. (I) 0807 - This variant has no previous evidence of pathogenicity. (I) 0905 - No published segregation evidence has been identified for this variant. (I) 1007 - No published functional evidence has been identified for this variant. (I) 1208 - Inheritance information for this variant is not currently available in this individual. (I) Legend: (SP) - Supporting pathogenic, (I) - Information, (SB) - Supporting benign